The following is an entry in ClinVar:

NM_001378454.1(ALMS1):c.7639T>G (p.Leu2547Val)

Gene: ALMS1 (ALMS1 centrosome and basal body associated protein; plus strand). Cytogenetic location: 2p13.1.
Variant type: single nucleotide variant.
Coding change: c.7639T>G on transcript NM_001378454.1 (MANE Select); coding-DNA position 7639, T replaced by G.
Protein change: p.Leu2547Val; replaces leucine 2547 with valine.
Molecular consequence: missense variant.
Genome position (GRCh38, 1-based): chr2:73,455,260, T>G. VCF-style: chr2-73455260-T-G. GRCh37 (hg19) VCF-style: chr2-73682387-T-G.
Other names: c.7642T>G, p.Leu2548Val (NM_015120.4); short protein forms L2548V, L2547V.
Identifiers: ClinVar variation 554955 (VCV000554955.7), dbSNP rs200155429, ClinGen allele CA1714285.

ClinVar aggregate classification (germline): Uncertain significance. Review status: criteria provided, multiple submitters, no conflicts (2 of 4 stars). 3 submissions from 3 submitters: Uncertain significance (2). 1 of the submissions does not count toward it. Last evaluated 2025-03-06.

Conditions:
Alstrom syndrome (ALMS). Identifiers: Orphanet 64, MedGen C0268425, MONDO:0008763, OMIM 203800.
Cardiovascular phenotype. Identifiers: MedGen CN230736.

Allele frequency attached by ClinVar (database versions not stated): gnomAD 0.00001; 1000 Genomes Project 30x 0.00016; 1000 Genomes Project 0.00020.
gnomAD v4.1: 4 of 1,613,998 alleles (0.00025%); highest among the groups gnomAD compares: African/African-American, 0.0027%; no homozygotes.

Submissions (3):

Ambry Genetics
Classification: Uncertain significance for Cardiovascular phenotype. Last evaluated: 2025-03-06. Review status: criteria provided, single submitter. Criteria: Ambry Variant Classification Scheme 2023. Collection method: clinical testing. Allele origin: germline.
Comment: The p.L2548V variant (also known as c.7642T>G), located in coding exon 9 of the ALMS1 gene, results from a T to G substitution at nucleotide position 7642. The leucine at codon 2548 is replaced by valine, an amino acid with highly similar properties. This amino acid position is well conserved in available vertebrate species. In addition, this alteration is predicted to be tolerated by in silico analysis. Based on the available evidence, the clinical significance of this variant remains unclear.

Labcorp Genetics (formerly Invitae), Labcorp
Classification: Uncertain significance for Alstrom syndrome. Last evaluated: 2024-11-05. Review status: criteria provided, single submitter. Criteria: Invitae Variant Classification Sherloc (09022015). Collection method: clinical testing. Allele origin: germline.
Comment: This sequence change replaces leucine, which is neutral and non-polar, with valine, which is neutral and non-polar, at codon 2548 of the ALMS1 protein (p.Leu2548Val). This variant is present in population databases (rs200155429, gnomAD 0.007%). This variant has not been reported in the literature in individuals affected with ALMS1-related conditions. ClinVar contains an entry for this variant (Variation ID: 554955). Experimental studies and prediction algorithms are not available or were not evaluated, and the functional significance of this variant is currently unknown. In summary, the available evidence is currently insufficient to determine the role of this variant in disease. Therefore, it has been classified as a Variant of Uncertain Significance.

Counsyl
Classification: Uncertain significance for Alstrom syndrome. Last evaluated: 2017-11-09. Review status: no assertion criteria provided. Collection method: clinical testing. Allele origin: unknown. Not counted in ClinVar's aggregate classification.